The following is an entry in ClinVar:

NM_021930.6(RINT1):c.1057G>A (p.Glu353Lys)

Gene: RINT1 (RAD50 interactor 1; plus strand). Cytogenetic location: 7q22.3.
Variant type: single nucleotide variant.
Coding change: c.1057G>A on transcript NM_021930.6 (MANE Select); coding-DNA position 1057, G replaced by A.
Protein change: p.Glu353Lys; replaces glutamic acid 353 with lysine.
Molecular consequence: missense variant. On other transcripts: non-coding transcript variant (1).
Genome position (GRCh38, 1-based): chr7:105,550,115, G>A. VCF-style: chr7-105550115-G-A. GRCh37 (hg19) VCF-style: chr7-105190562-G-A.
Other names: c.823G>A, p.Glu275Lys (NM_001346599.2); c.34G>A, p.Glu12Lys (NM_001346600.2, NM_001346603.2); c.133G>A, p.Glu45Lys (NM_001346601.2); short protein forms E45K, E275K, E12K, E353K.
Identifiers: ClinVar variation 644630 (VCV000644630.8), dbSNP rs1586240712, ClinGen allele CA368808422.

ClinVar aggregate classification (germline): Uncertain significance (1 of 4 stars; one submission).

Submission:

Labcorp Genetics (formerly Invitae), Labcorp
Classification: Uncertain significance. Last evaluated: 2018-08-21. Review status: criteria provided, single submitter. Criteria: Invitae Variant Classification Sherloc (09022015). Collection method: clinical testing. Allele origin: germline.
Comment: This sequence change replaces glutamic acid with lysine at codon 353 of the RINT1 protein (p.Glu353Lys). The glutamic acid residue is moderately conserved and there is a small physicochemical difference between glutamic acid and lysine. This variant is not present in population databases (ExAC no frequency). This variant has not been reported in the literature in individuals with RINT1-related disease. Algorithms developed to predict the effect of missense changes on protein structure and function (SIFT, PolyPhen-2, Align-GVGD) all suggest that this variant is likely to be tolerated, but these predictions have not been confirmed by published functional studies and their clinical significance is uncertain. In summary, the available evidence is currently insufficient to determine the role of this variant in disease. Therefore, it has been classified as a Variant of Uncertain Significance.